The following is an entry in ClinVar:

NM_001384474.1(LOXHD1):c.4031G>T (p.Cys1344Phe)

Gene: LOXHD1 (lipoxygenase homology PLAT domains 1; minus strand). Cytogenetic location: 18q21.1.
Variant type: single nucleotide variant.
Coding change: c.4031G>T on transcript NM_001384474.1 (MANE Select); coding-DNA position 4031, G replaced by T.
Protein change: p.Cys1344Phe; replaces cysteine 1344 with phenylalanine.
Molecular consequence: missense variant.
Genome position (GRCh38, 1-based): chr18:46,538,220, C>A on the plus strand (G>T on the coding strand, the complement: LOXHD1 is on the minus strand). VCF-style: chr18-46538220-C-A. GRCh37 (hg19) VCF-style: chr18-44118183-C-A.
Other names: c.698G>T, p.Cys233Phe (NM_001145472.3); c.410G>T, p.Cys137Phe (NM_001308013.2); c.4031G>T, p.Cys1344Phe (NM_144612.7); short protein forms C1344F, C137F, C233F.
Identifiers: ClinVar variation 178398 (VCV000178398.27), dbSNP rs368870055, ClinGen allele CA182250.

ClinVar aggregate classification (germline): Conflicting classifications of pathogenicity. Review status: criteria provided, conflicting classifications (1 of 4 stars). 7 submissions from 7 submitters: Uncertain significance (4); Benign (2). 1 of the submissions does not count toward it. Last evaluated 2026-01-19.

Conditions:
Autosomal recessive nonsyndromic hearing loss 77. Identifiers: Orphanet 90636, MedGen C2746083, MONDO:0013119, OMIM 613079.

Allele frequency attached by ClinVar (database versions not stated): gnomAD exomes 0.00019 and 0.00064; gnomAD 0.00025 and 0.00027; TOPMed 0.00031; ESP Exome Variant Server 0.00066; ExAC 0.00092.
gnomAD v4.1: 331 of 1,548,904 alleles (0.021%); highest among the groups gnomAD compares: Admixed American, 0.0098%; no homozygotes.

Submissions (7):

Labcorp Genetics (formerly Invitae), Labcorp
Classification: Benign. Last evaluated: 2026-01-19. Review status: criteria provided, single submitter. Criteria: Invitae Variant Classification Sherloc (09022015). Collection method: clinical testing. Allele origin: germline.

Mayo Clinic Laboratories, Mayo Clinic
Classification: Uncertain significance. Last evaluated: 2024-11-26. Review status: criteria provided, single submitter. Criteria: ACMG Guidelines, 2015. Collection method: clinical testing. Allele origin: germline. Observed: 1 variant allele.

Blueprint Genetics
Classification: Uncertain significance. Last evaluated: 2024-10-23. Review status: criteria provided, single submitter. Criteria: ACMG Guidelines, 2015. Collection method: clinical testing. Allele origin: germline.

Illumina Laboratory Services, Illumina
Classification: Uncertain significance for Autosomal recessive nonsyndromic hearing loss 77. Last evaluated: 2018-01-12. Review status: criteria provided, single submitter. Criteria: ICSL Variant Classification Criteria 13 December 2019. Collection method: clinical testing. Allele origin: germline.

Eurofins Ntd Llc (ga)
Classification: Benign. Last evaluated: 2017-03-30. Review status: criteria provided, single submitter. Criteria: EGL Classification Definitions 2015. Collection method: clinical testing. Allele origin: germline. Observed: 1 variant allele, 1 heterozygote.

Laboratory for Molecular Medicine, Mass General Brigham Personalized Medicine
Classification: Uncertain significance. Last evaluated: 2014-01-02. Review status: criteria provided, single submitter. Criteria: LMM Criteria. Collection method: clinical testing. Allele origin: germline. Observed: 3 variant alleles.
Comment: Variant classified as Uncertain Significance - Favor Benign. The Cys1344Phe vari ant in LOXHD1 has now been identified by our laboratory in three individuals wit h hearing loss, all with alternate explanations for their hearing loss. This var iant has also been identified in 0.09% (3/3182) of the European American populat ion by the NHLBI Exome Sequencing Project; however, this frequency is not high e nough to rule out a pathogenic role, particularly for a recessive disorder. Comp utational analyses (biochemical amino acid properties, conservation, AlignGVGD, PolyPhen2, and SIFT) do not provide strong support for or against an impact to t he protein. In summary, the clinical significance of this variant cannot be dete rmined with certainty at this time. However, based on only being identified in a ffected individuals with an alternative explanation of their hearing loss and id entification in the general population, we would lean towards a more likely beni gn role.

Natera, Inc.
Classification: Likely benign for Autosomal recessive deafness type 77. Last evaluated: 2020-06-15. Review status: no assertion criteria provided. Collection method: clinical testing. Allele origin: germline. Not counted in ClinVar's aggregate classification.